The following is an entry in ClinVar:

NM_199420.4(POLQ):c.1514T>G (p.Ile505Arg)

Gene: POLQ (DNA polymerase theta; minus strand). Cytogenetic location: 3q13.33.
Variant type: single nucleotide variant.
Coding change: c.1514T>G on transcript NM_199420.4 (MANE Select); coding-DNA position 1514, T replaced by G.
Protein change: p.Ile505Arg; replaces isoleucine 505 with arginine.
Molecular consequence: missense variant.
Genome position (GRCh38, 1-based): chr3:121,511,984, A>C on the plus strand (T>G on the coding strand, the complement: POLQ is on the minus strand). VCF-style: chr3-121511984-A-C. GRCh37 (hg19) VCF-style: chr3-121230831-A-C.
Other names: short protein forms I505R.
Identifiers: ClinVar variation 2449140 (VCV002449140.2), dbSNP rs753916888, ClinGen allele CA2563516.

ClinVar aggregate classification (germline): Uncertain significance (1 of 4 stars; one submission).

Allele frequency attached by ClinVar (database versions not stated): ExAC 0.00001; TOPMed 0.00003; gnomAD 0.00004.
gnomAD v4.1: 61 of 1,613,428 alleles (0.0038%); highest among the groups gnomAD compares: Non-Finnish European, 0.0052%; no homozygotes.

Submission:

Ambry Genetics
Classification: Uncertain significance. Last evaluated: 2022-12-18. Review status: criteria provided, single submitter. Criteria: Ambry Variant Classification Scheme 2023. Collection method: clinical testing. Allele origin: germline.
Comment: The p.I505R variant (also known as c.1514T>G), located in coding exon 10 of the POLQ gene, results from a T to G substitution at nucleotide position 1514. The isoleucine at codon 505 is replaced by arginine, an amino acid with similar properties. This amino acid position is conserved. In addition, this alteration is predicted to be tolerated by in silico analysis. Since supporting evidence is limited at this time, the clinical significance of this alteration remains unclear.